The following is an entry in ClinVar:

NM_001244008.2(KIF1A):c.2351G>A (p.Arg784Gln)

Gene: KIF1A (kinesin family member 1A; minus strand). Cytogenetic location: 2q37.3.
Variant type: single nucleotide variant.
Coding change: c.2351G>A on transcript NM_001244008.2 (MANE Select); coding-DNA position 2351, G replaced by A.
Protein change: p.Arg784Gln; replaces arginine 784 with glutamine.
Molecular consequence: missense variant.
Genome position (GRCh38, 1-based): chr2:240,760,758, C>T on the plus strand (G>A on the coding strand, the complement: KIF1A is on the minus strand). VCF-style: chr2-240760758-C-T. GRCh37 (hg19) VCF-style: chr2-241700175-C-T.
Other names: c.2426G>A, p.Arg809Gln (NM_001330290.2, NM_001379631.1, NM_001379634.1 and 2 more transcripts); c.2324G>A, p.Arg775Gln (NM_001379632.1, NM_001379633.1, NM_001379636.1 and 10 more transcripts); c.2399G>A, p.Arg800Gln (NM_001379637.1, NM_001379648.1); c.2351G>A, p.Arg784Gln (NM_001379638.1, NM_001320705.2, NM_001330289.2); c.2324G>A (NM_004321.5); short protein forms R775Q, R784Q, R800Q, R809Q.
Identifiers: ClinVar variation 1429856 (VCV001429856.7), dbSNP rs375290825, ClinGen allele CA68172050.
Genomic context (GRCh38, chr2:240,760,758, plus strand): 5'-CCGTTCTTCTGGTCCTGGACCTCCACGGCCACAATGGTGCGGGGGAAGGGCCGCGTCTCT[C>T]GGTCTTTGGCGGCCTCTGGGGGCAGCAGGTCGGGTGGCAGAGGGGAGTAGAGTGTGTCCG-3'
Protein context (NP_001230937.1, residues 774-794): DLLPPEAAKD[Arg784Gln]ETRPFPRTIV

ClinVar aggregate classification (germline): Uncertain significance. Review status: criteria provided, multiple submitters, no conflicts (2 of 4 stars). 2 submissions from 2 submitters: Uncertain significance (2). Last evaluated 2026-09-08.

Conditions:
Hereditary spastic paraplegia 30. Identifiers: Orphanet 101010, MedGen C5235139, MONDO:0012476.
Neuropathy, hereditary sensory, type 2C. Also called: Hereditary sensory and autonomic neuropathy type IIC; KIF1A-Related HSAN2 (HSAN2C). Identifiers: Orphanet 970, MedGen C3280168, MONDO:0013634, OMIM 614213.
Intellectual disability, autosomal dominant 9 (NESCAVS). Also called: KIF1A-Related Neurodevelopmental Disorder; NESCAV SYNDROME. Identifiers: Orphanet 662367, MedGen C5393830, MONDO:0013656, OMIM 614255.
Inborn genetic diseases. Identifiers: MedGen C0950123, MeSH D030342.

Allele frequency attached by ClinVar (database versions not stated): ESP Exome Variant Server 0.00008.
gnomAD v4.1: 14 of 1,601,160 alleles (0.00087%); highest among the groups gnomAD compares: Non-Finnish European, 0.0011%; no homozygotes.

Submissions (2):

Ambry Genetics
Classification: Uncertain significance for Inborn genetic diseases. Last evaluated: 2026-09-08. Review status: criteria provided, single submitter. Criteria: Ambry Variant Classification Scheme 2023. Collection method: clinical testing. Allele origin: germline.
Comment: The c.2324G>A (p.R775Q) alteration is located in exon 24 (coding exon 23) of the KIF1A gene. This alteration results from a G to A substitution at nucleotide position 2324, causing the arginine (R) at amino acid position 775 to be replaced by a glutamine (Q). Based on data from gnomAD, the A allele has an overall frequency of <0.001% (0/234268) total alleles studied. The highest observed frequency was <0.001% (/) of alleles. Based on insufficient or conflicting evidence, the clinical significance of this alteration remains unclear.

Labcorp Genetics (formerly Invitae), Labcorp
Classification: Uncertain significance for Hereditary spastic paraplegia 30; Neuropathy, hereditary sensory, type 2C; Intellectual disability, autosomal dominant 9. Last evaluated: 2023-10-14. Review status: criteria provided, single submitter. Criteria: Invitae Variant Classification Sherloc (09022015). Collection method: clinical testing. Allele origin: germline.
Comment: This sequence change replaces arginine, which is basic and polar, with glutamine, which is neutral and polar, at codon 775 of the KIF1A protein (p.Arg775Gln). This variant is not present in population databases (gnomAD no frequency). This variant has not been reported in the literature in individuals affected with KIF1A-related conditions. ClinVar contains an entry for this variant (Variation ID: 1429856). Advanced modeling of protein sequence and biophysical properties (such as structural, functional, and spatial information, amino acid conservation, physicochemical variation, residue mobility, and thermodynamic stability) has been performed at Invitae for this missense variant, however the output from this modeling did not meet the statistical confidence thresholds required to predict the impact of this variant on KIF1A protein function. In summary, the available evidence is currently insufficient to determine the role of this variant in disease. Therefore, it has been classified as a Variant of Uncertain Significance.